The following is an entry in ClinVar:

ClinVar aggregate classification (germline): Likely benign. Review status: criteria provided, multiple submitters, no conflicts (2 of 4 stars). 3 submissions from 3 submitters: Likely benign (3). Last evaluated 2026-08-10.

Conditions:
P3H1-related disorder. Also called: P3H1-related condition.

Submissions (3):

PreventionGenetics, part of Exact Sciences
Classification: Likely benign for P3H1-related condition. Last evaluated: 2026-08-10. Review status: criteria provided, single submitter. Criteria: ACMG Guidelines, 2015. Collection method: clinical testing. Allele origin: germline.
Comment: This variant is classified as likely benign based on ACMG/AMP sequence variant interpretation guidelines (Richards et al. 2015 PMID: 25741868, with internal and published modifications).

Blueprint Genetics
Classification: Likely benign. Last evaluated: 2024-07-11. Review status: criteria provided, single submitter. Criteria: ACMG Guidelines, 2015. Collection method: clinical testing. Allele origin: germline.

GeneDx
Classification: Likely benign. Last evaluated: 2016-06-06. Review status: criteria provided, single submitter. Criteria: GeneDx Variant Classification (06012015). Collection method: clinical testing. Allele origin: germline. Affected: yes.
Comment: This variant is considered likely benign or benign based on one or more of the following criteria: it is a conservative change, it occurs at a poorly conserved position in the protein, it is predicted to be benign by multiple in silico algorithms, and/or has population frequency not consistent with disease.

NM_022356.4(P3H1):c.*4_*10del

Gene: P3H1 (prolyl 3-hydroxylase 1; minus strand). Cytogenetic location: 1p34.2.
Variant type: Deletion.
Coding change: c.*4_*10del on transcript NM_022356.4 (MANE Select); 4 bases downstream of the stop codon through 10 bases downstream of the stop codon, 7 bases deleted (CGTCCAG; older notation c.*4_*10delCGTCCAG).
Molecular consequence: 3 prime UTR variant.
Genome position (GRCh38, 1-based): chr1:42,746,687-42,746,693, CTGGACG deleted on the plus strand (CGTCCAG on the coding strand, the reverse complement: P3H1 is on the minus strand); deleting any 7 consecutive bases within chr1:42,746,687-42,746,696 gives the same sequence; the c. name uses the placement nearest the transcript's 3' end. VCF-style (leftmost placement, unchanged base first): chr1-42746686-CCTGGACG-C. GRCh37 (hg19) VCF-style: chr1-43212357-CCTGGACG-C.
Other names: c.*140_*146del (NM_001146289.2); c.*219_*225del (NM_001243246.2); c.*4_*10delCGTCCAG (NM_022356.3); c.*4_*10del7 (NM_022356.3).
Identifiers: ClinVar variation 421364 (VCV000421364.3), dbSNP rs767524042, ClinGen allele CA801497.